The following is an entry in ClinVar:

ClinVar aggregate classification (germline): Pathogenic. Review status: criteria provided, multiple submitters, no conflicts (2 of 4 stars). 4 submissions from 4 submitters: Pathogenic (4). Last evaluated 2024-01-16.

Conditions:
Hereditary cancer-predisposing syndrome. Also called: Hereditary neoplastic syndrome; Tumor predisposition; Neoplastic Syndromes, Hereditary; Hereditary Cancer Syndrome. Identifiers: Orphanet 140162, MedGen C0027672, MeSH D009386, MONDO:0015356.
Familial cancer of breast. Also called: BREAST CANCER, FAMILIAL; Hereditary breast cancer; hereditary breast carcinoma. Identifiers: Orphanet 227535, MedGen C0346153, MONDO:0016419, OMIM 114480. Disease mechanism: loss of function.
Ataxia-telangiectasia syndrome (AT). Also called: Cerebello-oculocutaneous telangiectasia; Immunodeficiency with ataxia telangiectasia; Ataxia-telangiectasia; AT, COMPLEMENTATION GROUP C; Ataxia telangiectasia (A-T); LOUIS-BAR SYNDROME. Identifiers: Orphanet 100, MedGen C0004135, MONDO:0008840, OMIM 208900.

Allele frequency attached by ClinVar (database versions not stated): gnomAD exomes below 0.00001.
gnomAD v4.1: 1 of 1,614,126 alleles (0.000062%); highest among the groups gnomAD compares: Non-Finnish European, 0.000085%; no homozygotes.

Submissions (4):

Myriad Genetics, Inc.
Classification: Pathogenic for Familial cancer of breast. Last evaluated: 2024-01-16. Review status: criteria provided, single submitter. Criteria: Myriad Autosomal Dominant, Autosomal Recessive and X-Linked Classification Criteria (2023). Collection method: clinical testing. Allele origin: unknown.
Comment: This variant is considered pathogenic. This variant creates a termination codon and is predicted to result in premature protein truncation.

Color Diagnostics, LLC DBA Color Health
Classification: Pathogenic for Hereditary cancer-predisposing syndrome. Last evaluated: 2023-12-11. Review status: criteria provided, single submitter. Criteria: ACMG Guidelines, 2015. Collection method: clinical testing. Allele origin: germline.
Comment: This variant changes 1 nucleotide in exon 10 of the ATM gene, creating a premature translation stop signal. This variant is expected to result in an absent or non-functional protein product. This variant has been observed in the compound heterozygous state with a known pathogenic ATM variant in an individual affected with autosomal recessive ataxia-telangiectasia (PMID: 30772474), indicating that this variant contributes to disease. This variant has not been identified in the general population by the Genome Aggregation Database (gnomAD). Loss of ATM function is a known mechanism of disease. Based on the available evidence, this variant is classified as Pathogenic.

Ambry Genetics
Classification: Pathogenic for Hereditary cancer-predisposing syndrome. Last evaluated: 2023-04-10. Review status: criteria provided, single submitter. Criteria: Ambry Variant Classification Scheme 2023. Collection method: clinical testing. Allele origin: germline.
Comment: The p.W524* pathogenic mutation (also known as c.1572G>A), located in coding exon 9 of the ATM gene, results from a G to A substitution at nucleotide position 1572. This changes the amino acid from a tryptophan to a stop codon within coding exon 9. This variant has been confirmed in trans with an ATM pathogenic variant in an individual diagnosed with ataxia-telangiectasia (Suspitsin E et al. Eur J Med Genet, 2020 Jan;63:103630). This variant is considered to be rare based on population cohorts in the Genome Aggregation Database (gnomAD). In addition to the clinical data presented in the literature, this alteration is expected to result in loss of function by premature protein truncation or nonsense-mediated mRNA decay. As such, this alteration is interpreted as a disease-causing mutation.

Labcorp Genetics (formerly Invitae), Labcorp
Classification: Pathogenic for Ataxia-telangiectasia syndrome. Last evaluated: 2022-07-16. Review status: criteria provided, single submitter. Criteria: Invitae Variant Classification Sherloc (09022015). Collection method: clinical testing. Allele origin: germline.
Comment: For these reasons, this variant has been classified as Pathogenic. This variant has not been reported in the literature in individuals affected with ATM-related conditions. This variant is not present in population databases (gnomAD no frequency). This sequence change creates a premature translational stop signal (p.Trp524*) in the ATM gene. It is expected to result in an absent or disrupted protein product. Loss-of-function variants in ATM are known to be pathogenic (PMID: 23807571, 25614872).

Literature cited by the submitters: PubMed 30772474 (cited by Color Diagnostics, LLC DBA Color Health and Ambry Genetics); PubMed 23807571 (cited by Labcorp Genetics (formerly Invitae), Labcorp); PubMed 25614872 (cited by Labcorp Genetics (formerly Invitae), Labcorp).

NM_000051.4(ATM):c.1572G>A (p.Trp524Ter)

Gene: ATM (ATM serine/threonine kinase; plus strand). Cytogenetic location: 11q22.3.
Variant type: single nucleotide variant.
Coding change: c.1572G>A on transcript NM_000051.4 (MANE Select); coding-DNA position 1572, G replaced by A.
Protein change: p.Trp524Ter; replaces tryptophan 524 with a stop codon.
Molecular consequence: nonsense.
Genome position (GRCh38, 1-based): chr11:108,251,037, G>A. VCF-style: chr11-108251037-G-A. GRCh37 (hg19) VCF-style: chr11-108121764-G-A.
Other names: c.1572G>A, p.Trp524Ter (NM_001351834.2); short protein forms W524*.
Identifiers: ClinVar variation 2418981 (VCV002418981.10), dbSNP rs1060501667, ClinGen allele CA382534384.